The following is an entry in ClinVar:

NM_000137.4(FAH):c.838-1G>C

Gene: FAH (fumarylacetoacetate hydrolase; plus strand). Cytogenetic location: 15q25.1.
Variant type: single nucleotide variant.
Coding change: c.838-1G>C on transcript NM_000137.4 (MANE Select); the canonical splice acceptor site of the intron before coding-DNA position 838, G replaced by C.
Molecular consequence: splice acceptor variant.
Genome position (GRCh38, 1-based): chr15:80,175,015, G>C. VCF-style: chr15-80175015-G-C. GRCh37 (hg19) VCF-style: chr15-80467357-G-C.
Other names: c.838-1G>C (NM_001374377.1, NM_001374380.1).
Identifiers: ClinVar variation 4817563 (VCV004817563.1).

ClinVar aggregate classification (germline): Likely pathogenic (1 of 4 stars; one submission).

Conditions:
Tyrosinemia type I (TYRSN1). Also called: Tyrosinemia type 1; Fumarylacetoacetase deficiency; Deficiency of fumarylacetoacetase; HEPATORENAL TYROSINEMIA; FAH DEFICIENCY. Identifiers: Orphanet 882, MedGen C0268490, MONDO:0010161, OMIM 276700. Disease mechanism: loss of function.

Submission:

Natera, Inc.
Classification: Likely pathogenic for Tyrosinemia type I. Last evaluated: 2025-08-26. Review status: criteria provided, single submitter. Criteria: Natera Variant Classification Schema (03/2026). Collection method: clinical testing. Allele origin: germline.
Comment: The c.838-1G>C variant in FAH is a canonical splice acceptor site variant predicted to affect pre-mRNA splicing, which may result in an abnormal transcript and altered protein product. This variant is expected to result in nonsense mediated decay, truncation, or a dysfunctional protein product. This variant is rare in the general population with a frequency below the threshold expected for the associated phenotype(s). Given the available evidence, this variant is classified as Likely Pathogenic.